The following is an entry in ClinVar:

ClinVar aggregate classification (germline): Conflicting classifications of pathogenicity. Review status: criteria provided, conflicting classifications (1 of 4 stars). 8 submissions from 8 submitters: Likely pathogenic (1); Uncertain significance (7). Last evaluated 2025-10-23.

Conditions:
Developmental and epileptic encephalopathy, 52 (DEE52). Also called: Epileptic encephalopathy, early infantile, 52. Identifiers: MedGen C4479236, MONDO:0033361, OMIM 617350.
Brugada syndrome 5 (BRGDA5). Identifiers: Orphanet 130, Orphanet 871, MedGen C2748541, MONDO:0013015, OMIM 612838.
Atrial fibrillation, familial, 13 (ATFB13). Identifiers: MedGen C3809311, MONDO:0014155, OMIM 615377.
Generalized epilepsy with febrile seizures plus, type 1 (GEFSP1). Also called: GEFS+, TYPE 1. Identifiers: Orphanet 36387, MedGen C1858672, MONDO:0011416, OMIM 604233.
Cardiovascular phenotype. Identifiers: MedGen CN230736.

Allele frequency attached by ClinVar (database versions not stated): gnomAD 0.00001; TOPMed 0.00001.
gnomAD v4.1: 3 of 870,084 alleles (0.00034%); highest among the groups gnomAD compares: South Asian, 0.0048%; no homozygotes.

Submissions (8):

GeneDx
Classification: Uncertain significance. Last evaluated: 2025-10-23. Review status: criteria provided, single submitter. Criteria: GeneDx Variant Classification Process June 2021. Collection method: clinical testing. Allele origin: germline. Affected: yes.
Comment: Not observed at significant frequency in large population cohorts (gnomAD); In silico analysis suggests that this missense variant does not alter protein structure/function; This variant is associated with the following publications: (PMID: 38174099)

Labcorp Genetics (formerly Invitae), Labcorp
Classification: Likely pathogenic for Brugada syndrome 5. Last evaluated: 2025-10-18. Review status: criteria provided, single submitter. Criteria: Invitae Variant Classification Sherloc (09022015). Collection method: clinical testing. Allele origin: germline.
Comment: This sequence change replaces leucine, which is neutral and non-polar, with proline, which is neutral and non-polar, at codon 13 of the SCN1B protein (p.Leu13Pro). This variant is not present in population databases (gnomAD no frequency). This missense change has been observed in individual(s) with clinical features of autosomal dominant SCN1B-related conditions (PMID: 38174099; internal data). In at least one individual the variant was observed to be de novo. ClinVar contains an entry for this variant (Variation ID: 190870). Experimental studies and prediction algorithms are not available or were not evaluated, and the functional significance of this variant is currently unknown. In summary, the currently available evidence indicates that the variant is pathogenic, but additional data are needed to prove that conclusively. Therefore, this variant has been classified as Likely Pathogenic.

Blueprint Genetics
Classification: Uncertain significance. Last evaluated: 2024-10-08. Review status: criteria provided, single submitter. Criteria: ACMG Guidelines, 2015. Collection method: clinical testing. Allele origin: germline.

Women's Health and Genetics/Laboratory Corporation of America, LabCorp
Classification: Uncertain significance. Last evaluated: 2020-09-09. Review status: criteria provided, single submitter. Criteria: LabCorp Variant Classification Summary - May 2015. Collection method: clinical testing. Allele origin: germline.
Comment: Variant summary: SCN1B c.38T>C (p.Leu13Pro) results in a non-conservative amino acid change in the encoded protein sequence. Three of five in-silico tools predict a damaging effect of the variant on protein function. 4/4 computational tools predict no significant impact on normal splicing. However, these predictions have yet to be confirmed by functional studies. The variant allele was found at a frequency of 7.1e-06 in 140328 control chromosomes (gnomAD v3). The available data on variant occurrences in the general population are insufficient to allow any conclusion about variant significance. To our knowledge, no occurrence of c.38T>C in individuals affected with SCN1B-Related Disorders and no experimental evidence demonstrating its impact on protein function have been reported. Six ClinVar submitters (evaluation after 2014) cite the variant as uncertain significance. Based on the evidence outlined above, the variant was classified as uncertain significance.

Ambry Genetics
Classification: Uncertain significance for Cardiovascular phenotype. Last evaluated: 2018-11-17. Review status: criteria provided, single submitter. Criteria: Ambry Variant Classification Scheme 2023. Collection method: clinical testing. Allele origin: germline.
Comment: The p.L13P variant (also known as c.38T>C), located in coding exon 1 of the SCN1B gene, results from a T to C substitution at nucleotide position 38. The leucine at codon 13 is replaced by proline, an amino acid with similar properties. This amino acid position is highly conserved in available vertebrate species. In addition, this alteration is predicted to be deleterious by in silico analysis. Since supporting evidence is limited at this time, the clinical significance of this alteration remains unclear.

Fulgent Genetics
Classification: Uncertain significance for Generalized epilepsy with febrile seizures plus, type 1; Brugada syndrome 5; Atrial fibrillation, familial, 13; Developmental and epileptic encephalopathy, 52. Last evaluated: 2018-10-31. Review status: criteria provided, single submitter. Criteria: ACMG Guidelines, 2015. Collection method: clinical testing. Allele origin: unknown.

Athena Diagnostics
Classification: Uncertain significance. Last evaluated: 2017-07-20. Review status: criteria provided, single submitter. Criteria: Athena Diagnostics Criteria. Collection method: clinical testing. Allele origin: germline.

Genetic Services Laboratory, University of Chicago
Classification: Uncertain significance. Last evaluated: 2015-04-16. Review status: criteria provided, single submitter. Criteria: ACMG Guidelines, 2015. Collection method: clinical testing. Allele origin: germline.

Literature cited by the submitters: PubMed 38174099 (cited by Labcorp Genetics (formerly Invitae), Labcorp).

NM_001037.5(SCN1B):c.38T>C (p.Leu13Pro)

Gene: SCN1B (sodium voltage-gated channel beta subunit 1; plus strand). Cytogenetic location: 19q13.11.
Variant type: single nucleotide variant.
Coding change: c.38T>C on transcript NM_001037.5 (MANE Select); coding-DNA position 38, T replaced by C.
Protein change: p.Leu13Pro; replaces leucine 13 with proline.
Molecular consequence: missense variant.
Genome position (GRCh38, 1-based): chr19:35,030,858, T>C. VCF-style: chr19-35030858-T-C. GRCh37 (hg19) VCF-style: chr19-35521762-T-C.
Other names: p.L13P:CTG>CCG; c.38T>C, p.Leu13Pro (NM_199037.5); short protein forms L13P.
Identifiers: ClinVar variation 190870 (VCV000190870.28), dbSNP rs786205834, ClinGen allele CA205080.